The following is an entry in ClinVar:

ClinVar aggregate classification (germline): Pathogenic/Likely pathogenic. Review status: criteria provided, multiple submitters, no conflicts (2 of 4 stars). 2 submissions from 2 submitters: Pathogenic (1); Likely pathogenic (1). Last evaluated 2025-05-05.

Conditions:
Spermatogenic failure 25. Identifiers: MedGen C4693765, MONDO:0054729, OMIM 617960.

Allele frequency attached by ClinVar (database versions not stated): gnomAD exomes below 0.00001.
gnomAD v4.1: 4 of 1,613,394 alleles (0.00025%); highest among the groups gnomAD compares: African/African-American, 0.0027%; no homozygotes.

Submissions (2):

First Genomix Gene Laboratory, Genetic Diagnostics Department
Classification: Likely pathogenic for Spermatogenic failure 25. Last evaluated: 2025-05-05. Review status: criteria provided, single submitter. Criteria: ACMG Guidelines, 2015. Collection method: clinical testing. Allele origin: germline. Inheritance: Autosomal recessive inheritance. Affected: no. Observed: 1 variant allele.

Yatsenko Laboratory, Magee-Womens Research Institute, University of Pittsburgh
Classification: Pathogenic for Spermatogenic failure 25. Last evaluated: 2022-12-30. Review status: criteria provided, single submitter. Criteria: ACMG Guidelines, 2015. Collection method: research. Allele origin: unknown. Affected: yes.

NM_001350162.2(TEX15):c.7414C>T (p.Arg2472Ter)

Gene: TEX15 (testis expressed 15, meiosis and synapsis associated; minus strand). Cytogenetic location: 8p12.
Variant type: single nucleotide variant.
Coding change: c.7414C>T on transcript NM_001350162.2 (MANE Select); coding-DNA position 7414, C replaced by T.
Protein change: p.Arg2472Ter; replaces arginine 2472 with a stop codon.
Molecular consequence: nonsense.
Genome position (GRCh38, 1-based): chr8:30,842,753, G>A on the plus strand (C>T on the coding strand, the complement: TEX15 is on the minus strand). VCF-style: chr8-30842753-G-A. GRCh37 (hg19) VCF-style: chr8-30700269-G-A.
Other names: c.6265C>T, p.Arg2089Ter (NM_031271.3); short protein forms R2089*, R2472*.
Identifiers: ClinVar variation 2442297 (VCV002442297.2), dbSNP rs1244093431, ClinGen allele CA370895847.